The following is an entry in ClinVar:

ClinVar aggregate classification (germline): Uncertain significance. Review status: criteria provided, multiple submitters, no conflicts (2 of 4 stars). 2 submissions from 2 submitters: Uncertain significance (2). Last evaluated 2022-03-23.

Allele frequency attached by ClinVar (database versions not stated): TOPMed 0.00004; gnomAD 0.00005; gnomAD exomes 0.00005 and 0.00008; ExAC 0.00008.
gnomAD v4.1: 120 of 1,605,866 alleles (0.0075%); highest among the groups gnomAD compares: Middle Eastern, 0.017%; no homozygotes.

Submissions (2):

Labcorp Genetics (formerly Invitae), Labcorp
Classification: Uncertain significance. Last evaluated: 2022-03-23. Review status: criteria provided, single submitter. Criteria: Invitae Variant Classification Sherloc (09022015). Collection method: clinical testing. Allele origin: germline.
Comment: In summary, the available evidence is currently insufficient to determine the role of this variant in disease. Therefore, it has been classified as a Variant of Uncertain Significance. Algorithms developed to predict the effect of missense changes on protein structure and function are either unavailable or do not agree on the potential impact of this missense change (SIFT: "Tolerated"; PolyPhen-2: "Not Available"; Align-GVGD: "Class C0"). This variant has not been reported in the literature in individuals affected with TMEM132E-related conditions. This variant is present in population databases (rs763116200, gnomAD 0.009%). This sequence change replaces proline, which is neutral and non-polar, with alanine, which is neutral and non-polar, at codon 1061 of the TMEM132E protein (p.Pro1061Ala).

Breakthrough Genomics
Classification: Uncertain significance. Review status: criteria provided, single submitter. Criteria: ACMG Guidelines, 2015. Collection method: not provided. Allele origin: germline. Inheritance: Autosomal recessive inheritance. Affected: yes.

NM_001304438.2(TMEM132E):c.3181C>G (p.Pro1061Ala)

Gene: TMEM132E (transmembrane protein 132E; plus strand). Cytogenetic location: 17q12.
Variant type: single nucleotide variant.
Coding change: c.3181C>G on transcript NM_001304438.2 (MANE Select); coding-DNA position 3181, C replaced by G.
Protein change: p.Pro1061Ala; replaces proline 1061 with alanine.
Molecular consequence: missense variant.
Genome position (GRCh38, 1-based): chr17:34,638,188, C>G. VCF-style: chr17-34638188-C-G. GRCh37 (hg19) VCF-style: chr17-32965207-C-G.
Other names: short protein forms P1061A.
Identifiers: ClinVar variation 1435367 (VCV001435367.9), dbSNP rs763116200, ClinGen allele CA8497106.